The following is an entry in ClinVar:

ClinVar aggregate classification (germline): Benign/Likely benign. Review status: criteria provided, multiple submitters, no conflicts (2 of 4 stars). 3 submissions from 3 submitters: Benign (2); Likely benign (1). Last evaluated 2025-09-28.

Allele frequency attached by ClinVar (database versions not stated): ESP Exome Variant Server 0.00008; gnomAD 0.00016 and 0.00029; TOPMed 0.00020; gnomAD exomes 0.00055; ExAC 0.00062; 1000 Genomes Project 0.00140; 1000 Genomes Project 30x 0.00141.
gnomAD v4.1: 550 of 1,614,048 alleles (0.034%); highest among the groups gnomAD compares: Middle Eastern, 0.33%; 4 homozygotes.

Submissions (3):

Labcorp Genetics (formerly Invitae), Labcorp
Classification: Benign. Last evaluated: 2025-09-28. Review status: criteria provided, single submitter. Criteria: Invitae Variant Classification Sherloc (09022015). Collection method: clinical testing. Allele origin: germline.

CeGaT Center for Human Genetics Tuebingen
Classification: Likely benign. Last evaluated: 2025-06-01. Review status: criteria provided, single submitter. Criteria: CeGaT Center For Human Genetics Tuebingen Variant Classification Criteria Version 2. Collection method: clinical testing. Allele origin: germline. Affected: yes. Observed: 1 variant allele.
Comment: MMP14: BP4, BP7

Breakthrough Genomics
Classification: Benign. Review status: criteria provided, single submitter. Criteria: ACMG Guidelines, 2015. Collection method: not provided. Allele origin: germline. Inheritance: Unknown mechanism. Affected: yes.

NM_004995.4(MMP14):c.741C>T (p.Leu247=)

Gene: MMP14 (matrix metallopeptidase 14; plus strand). Cytogenetic location: 14q11.2.
Variant type: single nucleotide variant.
Coding change: c.741C>T on transcript NM_004995.4 (MANE Select); coding-DNA position 741, C replaced by T.
Protein change: p.Leu247=; no amino-acid change (leucine 247 retained).
Molecular consequence: synonymous variant.
Genome position (GRCh38, 1-based): chr14:22,843,309, C>T. VCF-style: chr14-22843309-C-T. GRCh37 (hg19) VCF-style: chr14-23312518-C-T.
Identifiers: ClinVar variation 1567122 (VCV001567122.19), dbSNP rs150962356, ClinGen allele CA7105241.